The following is an entry in ClinVar:

NM_022773.4(LMF1):c.1573G>A (p.Gly525Arg)

Gene: LMF1 (lipase maturation factor 1; minus strand). Cytogenetic location: 16p13.3.
Variant type: single nucleotide variant.
Coding change: c.1573G>A on transcript NM_022773.4 (MANE Select); coding-DNA position 1573, G replaced by A.
Protein change: p.Gly525Arg; replaces glycine 525 with arginine.
Molecular consequence: missense variant. On other transcripts: nonsense (1), non-coding transcript variant (1).
Genome position (GRCh38, 1-based): chr16:854,663, C>T on the plus strand (G>A on the coding strand, the complement: LMF1 is on the minus strand). VCF-style: chr16-854663-C-T. GRCh37 (hg19) VCF-style: chr16-904663-C-T.
Other names: c.922G>A, p.Gly308Arg (NM_001352017.2, NM_001352021.2); c.1174G>A, p.Gly392Arg (NM_001352018.2); c.1246G>A, p.Gly416Arg (NM_001352019.2); c.1493G>A, p.Trp498Ter (NM_001352020.1); short protein forms G308R, W498*, G525R, G392R, G416R.
Identifiers: ClinVar variation 5023601 (VCV005023601.1).

ClinVar aggregate classification (germline): Uncertain significance (1 of 4 stars; one submission).

Conditions:
Cardiovascular phenotype. Identifiers: MedGen CN230736.

gnomAD v4.1: 9 of 1,604,536 alleles (0.00056%); highest among the groups gnomAD compares: Non-Finnish European, 0.00076%; no homozygotes.

Submission:

Ambry Genetics
Classification: Uncertain significance for Cardiovascular phenotype. Last evaluated: 2026-07-26. Review status: criteria provided, single submitter. Criteria: Ambry Variant Classification Scheme 2023. Collection method: clinical testing. Allele origin: germline.
Comment: The p.G525R variant (also known as c.1573G>A), located in coding exon 11 of the LMF1 gene, results from a G to A substitution at nucleotide position 1573. The glycine at codon 525 is replaced by arginine, an amino acid with dissimilar properties. This amino acid position is conserved. In addition, this alteration is predicted to be tolerated by in silico analysis. Based on the available evidence, the clinical significance of this variant remains unclear.